The following is an entry in ClinVar:

NM_000551.4(VHL):c.340+701G>T

Genes: VHL (von Hippel-Lindau tumor suppressor; plus strand), LOC107303340 (3p25 von Hippel-Lindau tumor suppressor, E3 ubiquitin protein ligase Alu-mediated recombination region; plus strand). Cytogenetic location: 3p25.3.
Variant type: single nucleotide variant.
Coding change: c.340+701G>T on transcript NM_000551.4 (MANE Select); 701 bases into the intron after coding-DNA position 340, G replaced by T.
Molecular consequence: intron variant. On other transcripts: missense variant (1).
Genome position (GRCh38, 1-based): chr3:10,142,888, G>T. VCF-style: chr3-10142888-G-T. GRCh37 (hg19) VCF-style: chr3-10184572-G-T.
Other names: c.466G>T, p.Asp156Tyr (NM_001354723.2); c.340+701G>T (NM_198156.3); c.466G>T (NM_001354723.1); short protein forms D156Y.
Identifiers: ClinVar variation 1042971 (VCV001042971.10), dbSNP rs1039517619, ClinGen allele CA1345067355.

ClinVar aggregate classification (germline): Likely benign. Review status: criteria provided, single submitter (1 of 4 stars). 2 submissions from 2 submitters: Likely benign (1). 1 of the submissions does not count toward it. Last evaluated 2025-10-08.

Conditions:
Von Hippel-Lindau syndrome (VHLS). Also called: Von Hippel-Lindau; von Hippel–Lindau syndrome; VHL syndrome. Identifiers: Orphanet 892, MedGen C0019562, MONDO:0008667, OMIM 193300. Disease mechanism: loss of function.
Chuvash polycythemia. Also called: POLYCYTHEMIA, VHL-DEPENDENT. Identifiers: Orphanet 238557, MedGen C1837915, MONDO:0009892, OMIM 263400.
VHL-related disorder. Also called: VHL-related condition.

Allele frequency attached by ClinVar (database versions not stated): gnomAD 0.00001.

Submissions (2):

Labcorp Genetics (formerly Invitae), Labcorp
Classification: Likely benign for Von Hippel-Lindau syndrome; Chuvash polycythemia. Last evaluated: 2025-10-08. Review status: criteria provided, single submitter. Criteria: Invitae Variant Classification Sherloc (09022015). Collection method: clinical testing. Allele origin: germline.

PreventionGenetics, part of Exact Sciences
Classification: Uncertain significance for VHL-related condition. Last evaluated: 2024-09-09. Review status: no assertion criteria provided. Collection method: clinical testing. Allele origin: germline. Not counted in ClinVar's aggregate classification.
Comment: The VHL c.466G>T variant is predicted to result in the amino acid substitution p.Asp156Tyr. To our knowledge, this variant has not been reported in the literature or in gnomAD, indicating this variant is rare. At this time, the clinical significance of this variant is uncertain due to the absence of conclusive functional and genetic evidence.